The following is an entry in ClinVar:

NM_022455.5(NSD1):c.1504A>G (p.Ser502Gly)

Gene: NSD1 (nuclear receptor binding SET domain protein 1; plus strand). Cytogenetic location: 5q35.3.
Variant type: single nucleotide variant.
Coding change: c.1504A>G on transcript NM_022455.5 (MANE Select); coding-DNA position 1504, A replaced by G.
Protein change: p.Ser502Gly; replaces serine 502 with glycine.
Molecular consequence: missense variant.
Genome position (GRCh38, 1-based): chr5:177,209,903, A>G. VCF-style: chr5-177209903-A-G. GRCh37 (hg19) VCF-style: chr5-176636904-A-G.
Other names: c.631A>G, p.Ser211Gly (NM_001365684.2, NM_001409306.1, NM_001409307.1 and 3 more transcripts); c.1504A>G, p.Ser502Gly (NM_001409301.1, NM_001409302.1, NM_001409303.1); c.1084A>G, p.Ser362Gly (NM_001409304.1); c.751A>G, p.Ser251Gly (NM_001409305.1); short protein forms S211G, S362G, S251G, S502G.
Identifiers: ClinVar variation 3672914 (VCV003672914.2).

ClinVar aggregate classification (germline): Uncertain significance (1 of 4 stars; one submission).

Submission:

Labcorp Genetics (formerly Invitae), Labcorp
Classification: Uncertain significance. Last evaluated: 2023-10-09. Review status: criteria provided, single submitter. Criteria: Invitae Variant Classification Sherloc (09022015). Collection method: clinical testing. Allele origin: germline.
Comment: This sequence change replaces serine, which is neutral and polar, with glycine, which is neutral and non-polar, at codon 502 of the NSD1 protein (p.Ser502Gly). This variant is not present in population databases (gnomAD no frequency). This variant has not been reported in the literature in individuals affected with NSD1-related conditions. Advanced modeling of protein sequence and biophysical properties (such as structural, functional, and spatial information, amino acid conservation, physicochemical variation, residue mobility, and thermodynamic stability) performed at Invitae indicates that this missense variant is not expected to disrupt NSD1 protein function. In summary, the available evidence is currently insufficient to determine the role of this variant in disease. Therefore, it has been classified as a Variant of Uncertain Significance.